The following is an entry in ClinVar:

ClinVar aggregate classification (germline): Uncertain significance. Review status: criteria provided, multiple submitters, no conflicts (2 of 4 stars). 2 submissions from 2 submitters: Uncertain significance (2). Last evaluated 2023-08-30.

Conditions:
Hereditary cancer-predisposing syndrome. Also called: Neoplastic Syndromes, Hereditary; Tumor predisposition; Hereditary neoplastic syndrome; Hereditary Cancer Syndrome. Identifiers: Orphanet 140162, MedGen C0027672, MeSH D009386, MONDO:0015356.

Submissions (2):

Ambry Genetics
Classification: Uncertain significance for Hereditary cancer-predisposing syndrome. Last evaluated: 2023-08-30. Review status: criteria provided, single submitter. Criteria: Ambry Variant Classification Scheme 2023. Collection method: clinical testing. Allele origin: germline.
Comment: The p.D1615N variant (also known as c.4843G>A), located in coding exon 37 of the POLE gene, results from a G to A substitution at nucleotide position 4843. The aspartic acid at codon 1615 is replaced by asparagine, an amino acid with highly similar properties. This amino acid position is conserved. In addition, this alteration is predicted to be tolerated by in silico analysis. Since supporting evidence is limited at this time, the clinical significance of this alteration remains unclear.

Labcorp Genetics (formerly Invitae), Labcorp
Classification: Uncertain significance. Last evaluated: 2022-07-19. Review status: criteria provided, single submitter. Criteria: Invitae Variant Classification Sherloc (09022015). Collection method: clinical testing. Allele origin: germline.
Comment: In summary, the available evidence is currently insufficient to determine the role of this variant in disease. Therefore, it has been classified as a Variant of Uncertain Significance. Algorithms developed to predict the effect of missense changes on protein structure and function are either unavailable or do not agree on the potential impact of this missense change (SIFT: "Deleterious"; PolyPhen-2: "Benign"; Align-GVGD: "Class C0"). ClinVar contains an entry for this variant (Variation ID: 566743). This variant has not been reported in the literature in individuals affected with POLE-related conditions. This variant is not present in population databases (gnomAD no frequency). This sequence change replaces aspartic acid, which is acidic and polar, with asparagine, which is neutral and polar, at codon 1615 of the POLE protein (p.Asp1615Asn).

NM_006231.4(POLE):c.4843G>A (p.Asp1615Asn)

Gene: POLE (DNA polymerase epsilon, catalytic subunit; minus strand). Cytogenetic location: 12q24.33.
Variant type: single nucleotide variant.
Coding change: c.4843G>A on transcript NM_006231.4 (MANE Select); coding-DNA position 4843, G replaced by A.
Protein change: p.Asp1615Asn; replaces aspartic acid 1615 with asparagine.
Molecular consequence: missense variant.
Genome position (GRCh38, 1-based): chr12:132,642,615, C>T on the plus strand (G>A on the coding strand, the complement: POLE is on the minus strand). VCF-style: chr12-132642615-C-T. GRCh37 (hg19) VCF-style: chr12-133219201-C-T.
Other names: c.4843G>A (NM_006231.2); short protein forms D1615N.
Identifiers: ClinVar variation 566743 (VCV000566743.10), dbSNP rs1565937674, ClinGen allele CA387378205.
Genomic context (GRCh38, chr12:132,642,615, plus strand): 5'-GACGGATCATGCGCCGGGCTCCATGGCGCTGCCAGTCCAGGACCCCATAGTTGATCTTGT[C>T]AGCCACACAGATAGGCACCAGTGGGAATTCCTCCAAGACAGGAATTTCACTGGCCAGCCT-3'
Protein context (NP_006222.2, residues 1605-1625): EFPLVPICVA[Asp1615Asn]KINYGVLDWQ